The following is an entry in ClinVar:

NM_001903.5(CTNNA1):c.2491C>T (p.Gln831Ter)

Gene: CTNNA1 (catenin alpha 1; plus strand). Cytogenetic location: 5q31.2.
Variant type: single nucleotide variant.
Coding change: c.2491C>T on transcript NM_001903.5 (MANE Select); coding-DNA position 2491, C replaced by T.
Protein change: p.Gln831Ter; replaces glutamine 831 with a stop codon.
Molecular consequence: nonsense. On other transcripts: 3 prime UTR variant (5).
Genome position (GRCh38, 1-based): chr5:138,933,859, C>T. VCF-style: chr5-138933859-C-T. GRCh37 (hg19) VCF-style: chr5-138269548-C-T.
Other names: c.*36C>T (NM_001290307.3, NM_001324002.1, NM_001324003.1 and 2 more transcripts); c.2182C>T, p.Gln728Ter (NM_001290309.3); c.2122C>T, p.Gln708Ter (NM_001290310.3); c.1381C>T, p.Gln461Ter (NM_001290312.1, NM_001323987.1, NM_001323988.1 and 12 more transcripts); c.2491C>T, p.Gln831Ter (NM_001323982.2, NM_001323983.1, NM_001323984.2); c.2464C>T, p.Gln822Ter (NM_001323985.2); c.2398C>T, p.Gln800Ter (NM_001323986.2); c.1246C>T, p.Gln416Ter (NM_001324001.1); and 3 more; short protein forms Q708*, Q380*, Q461*, Q728*, Q348*, Q416*, Q430*, Q822*.
Identifiers: ClinVar variation 640957 (VCV000640957.8), dbSNP rs1580944149, ClinGen allele CA361135190.

ClinVar aggregate classification (germline): Uncertain significance (1 of 4 stars; one submission).

Submission:

Labcorp Genetics (formerly Invitae), Labcorp
Classification: Uncertain significance. Last evaluated: 2023-04-24. Review status: criteria provided, single submitter. Criteria: Invitae Variant Classification Sherloc (09022015). Collection method: clinical testing. Allele origin: germline.
Comment: In summary, the available evidence is currently insufficient to determine the role of this variant in disease. Therefore, it has been classified as a Variant of Uncertain Significance. Experimental studies and prediction algorithms are not available or were not evaluated, and the functional significance of this variant is currently unknown. ClinVar contains an entry for this variant (Variation ID: 640957). This variant has not been reported in the literature in individuals affected with CTNNA1-related conditions. This variant is not present in population databases (gnomAD no frequency). This sequence change creates a premature translational stop signal (p.Gln831*) in the CTNNA1 gene. While this is not anticipated to result in nonsense mediated decay, it is expected to disrupt the last 76 amino acid(s) of the CTNNA1 protein.